The following is an entry in ClinVar:

NM_000257.4(MYH7):c.1129G>C (p.Gly377Arg)

Gene: MYH7 (myosin heavy chain 7; minus strand). Cytogenetic location: 14q11.2.
Variant type: single nucleotide variant.
Coding change: c.1129G>C on transcript NM_000257.4 (MANE Select); coding-DNA position 1129, G replaced by C.
Protein change: p.Gly377Arg; replaces glycine 377 with arginine.
Molecular consequence: missense variant.
Genome position (GRCh38, 1-based): chr14:23,429,784, C>G on the plus strand (G>C on the coding strand, the complement: MYH7 is on the minus strand). VCF-style: chr14-23429784-C-G. GRCh37 (hg19) VCF-style: chr14-23898993-C-G.
Other names: c.1129G>C (NM_000257.3); short protein forms G377R.
Identifiers: ClinVar variation 1407765 (VCV001407765.10), dbSNP rs773599095, ClinGen allele CA257823889.

ClinVar aggregate classification (germline): Uncertain significance. Review status: criteria provided, multiple submitters, no conflicts (2 of 4 stars). 5 submissions from 5 submitters: Uncertain significance (4). 1 of the submissions does not count toward it. Last evaluated 2025-07-29.

Conditions:
Cardiovascular phenotype. Identifiers: MedGen CN230736.
Hypertrophic cardiomyopathy. Also called: HYPERTROPHIC MYOCARDIOPATHY. Identifiers: Orphanet 217569, MedGen C0007194, MeSH D002312, MONDO:0005045, HP:0001639.
Cardiomyopathy (CMYO). Also called: Cardiomyopathies. Identifiers: Orphanet 167848, MedGen C0878544, MONDO:0004994, HP:0001638. Inheritance: Various modes of inheritance.

Allele frequency attached by ClinVar (database versions not stated): gnomAD 0.00001.
gnomAD v4.1: 10 of 1,612,532 alleles (0.00062%); highest among the groups gnomAD compares: Non-Finnish European, 0.00085%; no homozygotes.

Submissions (5):

Color Diagnostics, LLC DBA Color Health
Classification: Uncertain significance for Cardiomyopathy. Last evaluated: 2025-07-29. Review status: criteria provided, single submitter. Criteria: ACMG Guidelines, 2015. Collection method: clinical testing. Allele origin: germline.
Comment: This missense variant replaces glycine with arginine at codon 377 of the MYH7 protein. Computational prediction suggests that this variant may have a deleterious impact on protein structure and function. To our knowledge, functional studies have not been reported for this variant. This variant has been reported in at least three individuals affected with dilated cardiomyopathy (PMID: 20086309, 31983221, 32880476) and in an individual affected with hypertrophic cardiomyopathy (doi:10.1080/09723757.2013.11886214). This variant has been identified in 2/282730 chromosomes in the general population by the Genome Aggregation Database (gnomAD). The available evidence is insufficient to determine the role of this variant in disease conclusively. Therefore, this variant is classified as a Variant of Uncertain Significance.

Ambry Genetics
Classification: Uncertain significance for Cardiovascular phenotype. Last evaluated: 2025-07-03. Review status: criteria provided, single submitter. Criteria: Ambry Variant Classification Scheme 2023. Collection method: clinical testing. Allele origin: germline.
Comment: The p.G377R variant (also known as c.1129G>C), located in coding exon 10 of the MYH7 gene, results from a G to C substitution at nucleotide position 1129. The glycine at codon 377 is replaced by arginine, an amino acid with dissimilar properties. This alteration has been identified in several dilated cardiomyopathy (DCM) cohorts (Boda U et al. J Genet, 2009 Dec;88:373-7; Mazzarotto F et al. Circulation, 2020 02;141:387-398; Verdonschot JAJ et al. Circ Genom Precis Med, 2020 10;13:476-487). This amino acid position is highly conserved in available vertebrate species. In addition, this alteration is predicted to be deleterious by in silico analysis. Since supporting evidence is limited at this time, the clinical significance of this alteration remains unclear.

All of Us Research Program, National Institutes of Health
Classification: Uncertain significance for Cardiomyopathy. Last evaluated: 2023-09-17. Review status: criteria provided, single submitter. Criteria: ACMG Guidelines, 2015. Collection method: clinical testing. Allele origin: germline. Inheritance: Autosomal dominant inheritance. Observed: 1 variant allele, 1 heterozygote.
Comment: This missense variant replaces glycine with arginine at codon 377 of the MYH7 protein. Computational prediction suggests that this variant may have a deleterious impact on protein structure and function (internally defined REVEL score threshold >= 0.7, PMID: 27666373). This variant is found within a highly conserved region of the myosin head domain. Missense variants in this region have been shown to be significantly overrepresented in individuals with hypertrophic cardiomyopathy (PMID: 27532257). To our knowledge, functional studies have not been reported for this variant. This variant has been reported in at least 3 individuals affected with dilated cardiomyopathy (PMID: 20086309, 31983221, 32880476) and in an individual affected with hypertrophic cardiomyopathy (doi:10.1080/09723757.2013.11886214). This variant has been identified in 2/282730 chromosomes in the general population by the Genome Aggregation Database (gnomAD). The available evidence is insufficient to determine the role of this variant in disease conclusively. Therefore, this variant is classified as a Variant of Uncertain Significance.

This study involves interpretation of variants in research participants for the purpose of population health screening. Participant phenotype was not available at the time of variant classification. Additional details can be found in publication PMID: 35346344, PMCID: PMC8962531

Labcorp Genetics (formerly Invitae), Labcorp
Classification: Uncertain significance for Hypertrophic cardiomyopathy. Last evaluated: 2022-04-29. Review status: criteria provided, single submitter. Criteria: Invitae Variant Classification Sherloc (09022015). Collection method: clinical testing. Allele origin: germline.
Comment: This sequence change replaces glycine, which is neutral and non-polar, with arginine, which is basic and polar, at codon 377 of the MYH7 protein (p.Gly377Arg). This variant is present in population databases (rs773599095, gnomAD 0.002%). This missense change has been observed in individual(s) with dilated cardiomyopathy (PMID: 20086309, 31983221, 32880476). Algorithms developed to predict the effect of missense changes on protein structure and function are either unavailable or do not agree on the potential impact of this missense change (SIFT: "Deleterious"; PolyPhen-2: "Probably Damaging"; Align-GVGD: "Class C0"). This variant is found within a region of MYH7 between codons 181 and 937 that contains the majority of the myosin head domain. Missense variants in this region have been shown to be significantly overrepresented in individuals with hypertrophic cardiomyopathy (PMID: 27532257). In summary, the available evidence is currently insufficient to determine the role of this variant in disease. Therefore, it has been classified as a Variant of Uncertain Significance.

Molecular Diagnostic Laboratory for Inherited Cardiovascular Disease, Montreal Heart Institute
Classification: Likely pathogenic for Cardiovascular phenotype. Last evaluated: 2023-03-24. Review status: flagged submission. Criteria: ACMG Guidelines, 2015. Collection method: clinical testing. Allele origin: germline. Affected: yes. Not counted in ClinVar's aggregate classification.
ClinVar note: Reason: Outlier claim with insufficient supporting evidence

Literature cited by the submitters: PubMed 20086309 (cited by 4 submitters); PubMed 31983221 (cited by 4 submitters); PubMed 32880476 (cited by 4 submitters); PubMed 38473809 (cited by Ambry Genetics); PubMed 27532257 (cited by All of Us Research Program, National Institutes of Health and Labcorp Genetics (formerly Invitae), Labcorp).